The following is an entry in ClinVar:

NM_024675.4(PALB2):c.521A>G (p.Lys174Arg)

Gene: PALB2 (partner and localizer of BRCA2; minus strand). Cytogenetic location: 16p12.2.
Variant type: single nucleotide variant.
Coding change: c.521A>G on transcript NM_024675.4 (MANE Select); coding-DNA position 521, A replaced by G.
Protein change: p.Lys174Arg; replaces lysine 174 with arginine.
Molecular consequence: missense variant.
Genome position (GRCh38, 1-based): chr16:23,636,025, T>C on the plus strand (A>G on the coding strand, the complement: PALB2 is on the minus strand). VCF-style: chr16-23636025-T-C. GRCh37 (hg19) VCF-style: chr16-23647346-T-C.
Other names: p.K174R:AAA>AGA; short protein forms K174R.
Identifiers: ClinVar variation 182783 (VCV000182783.23), dbSNP rs730881902, ClinGen allele CA299775.
Genomic context (GRCh38, chr16:23,636,025, plus strand): 5'-TCAGTTACTGGTGATCTAGCAGGATTTTTGCTACTGATTTCTTCCTGTTCCTTTAGTCTT[T>C]TCCCAGACAATCTGAGTGAATCAGTGCCAAAGACACAGTCTCTCTCCTGTGAAATAAATG-3'
Protein context (NP_078951.2, residues 164-184): FGTDSLRLSG[Lys174Arg]RLKEQEEISS

ClinVar aggregate classification (germline): Uncertain significance. Review status: criteria provided, multiple submitters, no conflicts (2 of 4 stars). 6 submissions from 6 submitters: Uncertain significance (6). Last evaluated 2026-01-31.

Conditions:
Breast-ovarian cancer, familial, susceptibility to, 5 (BROVCA5). Identifiers: MedGen C5830615, MONDO:0957530, OMIM 620442.
Hereditary cancer-predisposing syndrome. Also called: Tumor predisposition; Hereditary Cancer Syndrome; Hereditary neoplastic syndrome; Neoplastic Syndromes, Hereditary. Identifiers: Orphanet 140162, MedGen C0027672, MeSH D009386, MONDO:0015356.
Familial cancer of breast. Also called: BREAST CANCER, FAMILIAL; Hereditary breast cancer; hereditary breast carcinoma. Identifiers: Orphanet 227535, MedGen C0346153, MONDO:0016419, OMIM 114480. Disease mechanism: loss of function.

Allele frequency attached by ClinVar (database versions not stated): gnomAD exomes below 0.00001 and 0.00002; TOPMed below 0.00001.

Submissions (6):

Labcorp Genetics (formerly Invitae), Labcorp
Classification: Uncertain significance for Familial cancer of breast. Last evaluated: 2026-01-31. Review status: criteria provided, single submitter. Criteria: Invitae Variant Classification Sherloc (09022015). Collection method: clinical testing. Allele origin: germline.
Comment: This sequence change replaces lysine, which is basic and polar, with arginine, which is basic and polar, at codon 174 of the PALB2 protein (p.Lys174Arg). This variant is present in population databases (rs730881902, gnomAD 0.0009%). This variant has not been reported in the literature in individuals affected with PALB2-related conditions. ClinVar contains an entry for this variant (Variation ID: 182783). An algorithm developed to predict the effect of missense changes on protein structure and function outputs the following: PolyPhen-2: "Benign". The arginine amino acid residue is found in multiple mammalian species, which suggests that this missense change does not adversely affect protein function. In summary, the available evidence is currently insufficient to determine the role of this variant in disease. Therefore, it has been classified as a Variant of Uncertain Significance.

Ambry Genetics
Classification: Uncertain significance for Hereditary cancer-predisposing syndrome. Last evaluated: 2024-09-15. Review status: criteria provided, single submitter. Criteria: Ambry Variant Classification Scheme 2023. Collection method: clinical testing. Allele origin: germline.
Comment: The p.K174R variant (also known as c.521A>G), located in coding exon 4 of the PALB2 gene, results from an A to G substitution at nucleotide position 521. The lysine at codon 174 is replaced by arginine, an amino acid with highly similar properties. This amino acid position is not well conserved in available vertebrate species. In addition, this alteration is predicted to be tolerated by in silico analysis. Since supporting evidence is limited at this time, the clinical significance of this alteration remains unclear.

Color Diagnostics, LLC DBA Color Health
Classification: Uncertain significance for Hereditary cancer-predisposing syndrome. Last evaluated: 2023-12-05. Review status: criteria provided, single submitter. Criteria: ACMG Guidelines, 2015. Collection method: clinical testing. Allele origin: germline.
Comment: This missense variant replaces lysine with arginine at codon 174 of the PALB2 protein. Computational prediction suggests that this variant may not impact protein structure and function (internally defined REVEL score threshold <= 0.5, PMID: 27666373). To our knowledge, functional studies have not been reported for this variant. This variant has not been reported in individuals affected with PALB2-related disorders in the literature. This variant has been identified in 1/251460 chromosomes in the general population by the Genome Aggregation Database (gnomAD). The available evidence is insufficient to determine the role of this variant in disease conclusively. Therefore, this variant is classified as a Variant of Uncertain Significance.

Baylor Genetics
Classification: Uncertain significance for Familial cancer of breast. Last evaluated: 2023-11-07. Review status: criteria provided, single submitter. Criteria: ACMG Guidelines, 2015. Collection method: clinical testing. Allele origin: unknown.

Department of Pathology and Laboratory Medicine, Sinai Health System
Classification: Uncertain significance for Breast-ovarian cancer, familial, susceptibility to, 5. Last evaluated: 2021-08-13. Review status: criteria provided, single submitter. Criteria: ACMG Guidelines, 2015. Collection method: clinical testing. Allele origin: germline. Affected: yes.

GeneDx
Classification: Uncertain significance. Last evaluated: 2014-06-10. Review status: criteria provided, single submitter. Criteria: GeneDx Variant Classification (06012015). Collection method: clinical testing. Allele origin: germline. Affected: yes.
Comment: This variant is denoted PALB2 c.521A>G at the cDNA level, p.Lys174Arg (K174R) at the protein level, and results in the change of a Lysine to an Arginine (AAA>AGA). This variant has not, to our knowledge, been published in the literature as pathogenic or benign. PALB2 Lys174Arg was not observed in approximately 6,500 individuals of European and African American ancestry in the NHLBI Exome Sequencing Project, indicating it is not a common benign variant in these populations. Since Lysine and Arginine share similar properties, this is considered a conservative amino acid substitution. PALB2 Lys174Arg occurs at a position that is moderately conserved across species and is located within the DNA binding region and the region involved in interaction with RAD51 and BRCA1 (Teo 2013, UniProt). In addition, in silico analyses predict that this variant is unlikely to alter protein structure or function. Based on currently available information, it is unclear whether PALB2 Lys174Arg is pathogenic or benign. We consider it to be a variant of uncertain significance.